The following is an entry in ClinVar:

ClinVar aggregate classification (germline): Benign. Review status: criteria provided, multiple submitters, no conflicts (2 of 4 stars). 4 submissions from 4 submitters: Benign (3). 1 of the submissions does not count toward it. Last evaluated 2026-02-01.

Conditions:
IL2RB-related disorder. Also called: IL2RB-related condition.

Allele frequency attached by ClinVar (database versions not stated): ExAC 0.00461; gnomAD exomes 0.00481; ESP Exome Variant Server 0.01397; gnomAD 0.01517 and 0.01634; 1000 Genomes Project 0.01637; TOPMed 0.01655; 1000 Genomes Project 30x 0.01905.
gnomAD v4.1: 4,141 of 1,503,900 alleles (0.28%); highest among the groups gnomAD compares: African/African-American, 5.2%; 103 homozygotes.

Submissions (4):

Labcorp Genetics (formerly Invitae), Labcorp
Classification: Benign. Last evaluated: 2026-02-01. Review status: criteria provided, single submitter. Criteria: Invitae Variant Classification Sherloc (09022015). Collection method: clinical testing. Allele origin: germline.

Mayo Clinic Laboratories, Mayo Clinic
Classification: Benign. Last evaluated: 2023-11-05. Review status: criteria provided, single submitter. Criteria: ACMG Guidelines, 2015. Collection method: clinical testing. Allele origin: germline. Observed: 9 variant alleles.

Breakthrough Genomics
Classification: Benign. Review status: criteria provided, single submitter. Criteria: ACMG Guidelines, 2015. Collection method: not provided. Allele origin: germline. Inheritance: Autosomal recessive inheritance. Affected: yes.

PreventionGenetics, part of Exact Sciences
Classification: Benign for IL2RB-related condition. Last evaluated: 2019-11-25. Review status: no assertion criteria provided. Collection method: clinical testing. Allele origin: germline. Not counted in ClinVar's aggregate classification.
Comment: This variant is classified as benign based on ACMG/AMP sequence variant interpretation guidelines (Richards et al. 2015 PMID: 25741868, with internal and published modifications).

NM_000878.5(IL2RB):c.1404C>T (p.Asp468=)

Gene: IL2RB (interleukin 2 receptor subunit beta; minus strand). Cytogenetic location: 22q12.3.
Variant type: single nucleotide variant.
Coding change: c.1404C>T on transcript NM_000878.5 (MANE Select); coding-DNA position 1404, C replaced by T.
Protein change: p.Asp468=; no amino-acid change (aspartic acid 468 retained).
Molecular consequence: synonymous variant.
Genome position (GRCh38, 1-based): chr22:37,128,348, G>A on the plus strand (C>T on the coding strand, the complement: IL2RB is on the minus strand). VCF-style: chr22-37128348-G-A. GRCh37 (hg19) VCF-style: chr22-37524388-G-A.
Other names: p.Asp468=; c.1404C>T (NM_000878.4); c.1404C>T, p.Asp468= (NM_001346222.1, NM_001346223.2).
Identifiers: ClinVar variation 730177 (VCV000730177.15), dbSNP rs35134562, ClinGen allele CA10216335.